The following is an entry in ClinVar:

NM_007294.4(BRCA1):c.1949_1950del (p.Ile650fs)

Gene: BRCA1 (BRCA1 DNA repair associated; minus strand). Cytogenetic location: 17q21.31.
Variant type: Deletion.
Coding change: c.1949_1950del on transcript NM_007294.4 (MANE Select); coding-DNA positions 1949 to 1950, 2 bases deleted (TA; older notation c.1949_1950delTA).
Protein change: p.Ile650fs; shifts the reading frame from isoleucine 650.
Molecular consequence: frameshift variant. On other transcripts: intron variant (137).
Genome position (GRCh38, 1-based): chr17:43,093,581-43,093,582, TA deleted on the plus strand (TA on the coding strand, the reverse complement: BRCA1 is on the minus strand); deleting any 2 consecutive bases within chr17:43,093,581-43,093,583 gives the same sequence; the c. name uses the placement nearest the transcript's 3' end. VCF-style (leftmost placement, unchanged base first): chr17-43093580-TTA-T. GRCh37 (hg19) VCF-style: chr17-41245597-TTA-T.
Other names: 2068delTA; c.1949_1950delTA (NM_007294.3); c.1805_1806del, p.Ile602fs (NM_001407845.1, NM_001407846.1, NM_001407847.1 and 20 more transcripts); c.1808_1809del, p.Ile603fs (NM_001407850.1, NM_001407851.1, NM_001407852.1 and 29 more transcripts); c.1736_1737del, p.Ile579fs (NM_001407853.1, NM_001407894.1, NM_001407895.1 and 9 more transcripts); c.1949_1950del, p.Ile650fs (NM_001407854.1, NM_001407858.1, NM_001407859.1 and 30 more transcripts); c.1946_1947del, p.Ile649fs (NM_001407860.1, NM_001407861.1, NM_001407587.1 and 22 more transcripts); c.1748_1749del, p.Ile583fs (NM_001407862.1); and 42 more; short protein forms I603fs, I650fs, I482fs, I579fs, I582fs, I583fs, I609fs, I624fs.
Identifiers: ClinVar variation 54409 (VCV000054409.8), dbSNP rs397508921, ClinGen allele CA001289.
Genomic context (GRCh38, chr17:43,093,580, plus strand): 5'-CTTCCATGAGTTGTAGGTTTCTGCTGTGCCTGACTGGCATTTGGTTGTACTTTTTTTTCT[TTA>T]TCTCTTCACTGCTAGAACAACTATCAATTTGCAATTCAGTACAATTAGGTGGGCTTAGAT-3'

ClinVar aggregate classification (germline): Pathogenic. Review status: reviewed by expert panel (3 of 4 stars). 3 submissions from 3 submitters: Pathogenic (1). 2 of the submissions do not count toward it. Last evaluated 2016-10-18.

Conditions:
Inherited breast cancer and ovarian cancer.
Breast-ovarian cancer, familial, susceptibility to, 1 (BROVCA1). Also called: OVARIAN CANCER, SUSCEPTIBILITY TO; BRCA1 Hereditary Breast and Ovarian Cancer. Identifiers: Orphanet 145, MedGen C2676676, MONDO:0011450, OMIM 604370. Disease mechanism: loss of function.

Submissions (3):

Evidence-based Network for the Interpretation of Germline Mutant Alleles (ENIGMA)
Classification: Pathogenic for Breast-ovarian cancer, familial, susceptibility to, 1. Last evaluated: 2016-10-18. Review status: reviewed by expert panel. Criteria: ENIGMA BRCA1/2 Classification Criteria (2015). Collection method: curation. Allele origin: germline.
Comment: Variant allele predicted to encode a truncated non-functional protein.

Genetics Laboratory, Great Ormond Street Hospital NHS Foundation Trust, North Thames Genomic Laboratory Hub
Classification: Pathogenic for Inherited breast cancer and ovarian cancer. Last evaluated: 2026-01-21. Review status: criteria provided, single submitter. Criteria: CanVIG BRCA Gene Specific V1.22. Collection method: clinical testing. Allele origin: germline. Affected: yes. Not counted in ClinVar's aggregate classification.
Comment: PM2_moderate, PVS1_very-strong, PM5_strong

Consortium of Investigators of Modifiers of BRCA1/2 (CIMBA), c/o University of Cambridge
Classification: Pathogenic for Breast-ovarian cancer, familial, susceptibility to, 1. Last evaluated: 2015-10-02. Review status: criteria provided, single submitter. Criteria: CIMBA Mutation Classification guidelines May 2016. Collection method: clinical testing. Allele origin: germline. Not counted in ClinVar's aggregate classification.